The following is an entry in ClinVar:

NM_006929.5(SKIC2):c.1046C>A (p.Ala349Asp)

Genes: SKIC2 (SKI2 subunit of superkiller complex; plus strand), LOC126859653 (CDK7 strongly-dependent group 2 enhancer GRCh37_chr6:31929542-31930741; plus strand). Cytogenetic location: 6p21.33.
Variant type: single nucleotide variant.
Coding change: c.1046C>A on transcript NM_006929.5 (MANE Select); coding-DNA position 1046, C replaced by A.
Protein change: p.Ala349Asp; replaces alanine 349 with aspartic acid.
Molecular consequence: missense variant.
Genome position (GRCh38, 1-based): chr6:31,962,036, C>A. VCF-style: chr6-31962036-C-A. GRCh37 (hg19) VCF-style: chr6-31929813-C-A.
Other names: short protein forms A349D.
Identifiers: ClinVar variation 235500 (VCV000235500.3), dbSNP rs878853054, ClinGen allele CA10581335.

ClinVar aggregate classification (germline): Uncertain significance (1 of 4 stars; one submission).

Allele frequency attached by ClinVar (database versions not stated): gnomAD exomes 0.00001 and below 0.00001; TOPMed below 0.00001.
gnomAD v4.1: 8 of 1,613,028 alleles (0.0005%); highest among the groups gnomAD compares: Non-Finnish European, 0.00068%; no homozygotes.

Submission:

Center for Pediatric Genomic Medicine, Children's Mercy Hospital and Clinics
Classification: Uncertain significance. Last evaluated: 2016-04-28. Review status: criteria provided, single submitter. Criteria: ACMG Guidelines, 2015. Collection method: clinical testing. Allele origin: germline.
ClinVar note: Converted during submission from Uncertain Significance to Uncertain significance.